The following is an entry in ClinVar:

NM_152703.5(SAMD9L):c.2196A>G (p.Ile732Met)

Gene: SAMD9L (sterile alpha motif domain containing 9 like; minus strand). Cytogenetic location: 7q21.2.
Variant type: single nucleotide variant.
Coding change: c.2196A>G on transcript NM_152703.5 (MANE Select); coding-DNA position 2196, A replaced by G.
Protein change: p.Ile732Met; replaces isoleucine 732 with methionine.
Molecular consequence: missense variant.
Genome position (GRCh38, 1-based): chr7:93,133,776, T>C on the plus strand (A>G on the coding strand, the complement: SAMD9L is on the minus strand). VCF-style: chr7-93133776-T-C. GRCh37 (hg19) VCF-style: chr7-92763089-T-C.
Other names: c.2196A>G, p.Ile732Met (NM_001303496.3, NM_001303497.3, NM_001303498.3 and 5 more transcripts); short protein forms I732M.
Identifiers: ClinVar variation 4863969 (VCV004863969.1).

ClinVar aggregate classification (germline): Uncertain significance (1 of 4 stars; one submission).

Conditions:
Inborn genetic diseases. Identifiers: MedGen C0950123, MeSH D030342.

Submission:

Ambry Genetics
Classification: Uncertain significance for Inborn genetic diseases. Last evaluated: 2026-04-27. Review status: criteria provided, single submitter. Criteria: Ambry Variant Classification Scheme 2023. Collection method: clinical testing. Allele origin: germline.
Comment: The p.I732M variant (also known as c.2196A>G), located in coding exon 1 of the SAMD9L gene, results from an A to G substitution at nucleotide position 2196. The isoleucine at codon 732 is replaced by methionine, an amino acid with highly similar properties. This amino acid position is conserved. In addition, this alteration is predicted to be tolerated by in silico analysis. Based on the available evidence, the clinical significance of this variant remains unclear.